The following is an entry in ClinVar:

ClinVar aggregate classification (germline): Likely pathogenic (0 of 4 stars; one submission).

Conditions:
PKD1-related disorder. Also called: PKD1-related condition.

Submission:

PreventionGenetics, part of Exact Sciences
Classification: Likely pathogenic for PKD1-related condition. Last evaluated: 2023-10-31. Review status: no assertion criteria provided. Collection method: clinical testing. Allele origin: germline.
Comment: The PKD1 c.12407G>C variant is predicted to result in the amino acid substitution p.Arg4136Thr. To our knowledge, this variant has not been reported in a large population database, indicating this variant is rare. The p.Arg4136 residue is highly conserved during evolution from zebrafish to human. Two substitutions at this codon, including p.Arg4136Thr and p.Arg4136Gly, have been shown to be pathogenic likely due to the interference with the normal function of the polycystin-1 (encoded by PKD1) C-tail (functional study of R4136T and R4136G in Parnell et al. 2018. PubMed ID: 29931260; reported as R4135G in Perrichot et al. 1999. PubMed ID: 10987650). This variant is interpreted as likely pathogenic.

NM_001009944.3(PKD1):c.12407G>C (p.Arg4136Thr)

Gene: PKD1 (polycystin 1, transient receptor potential channel interacting; minus strand). Cytogenetic location: 16p13.3.
Variant type: single nucleotide variant.
Coding change: c.12407G>C on transcript NM_001009944.3 (MANE Select); coding-DNA position 12407, G replaced by C.
Protein change: p.Arg4136Thr; replaces arginine 4136 with threonine.
Molecular consequence: missense variant.
Genome position (GRCh38, 1-based): chr16:2,090,322, C>G on the plus strand (G>C on the coding strand, the complement: PKD1 is on the minus strand). VCF-style: chr16-2090322-C-G. GRCh37 (hg19) VCF-style: chr16-2140323-C-G.
Other names: c.12404G>C, p.Arg4135Thr (NM_000296.4); short protein forms R4135T, R4136T.
Identifiers: ClinVar variation 3032639 (VCV003032639.2), dbSNP rs768391524, ClinGen allele CA394324698.
Genomic context (GRCh38, chr16:2,090,322, plus strand): 5'-CCCCCCCACTGGGCCGTACCCACCTCCTTGACCTTGCTGAGGCCCATCCAGAGGCGCAGC[C>G]TGCGCAGGAACAACTCCACCATCTCGTAGTCCTGGGGCTCCCAGGCCGGCCGGTACAGCT-3'
Protein context (NP_001009944.3, residues 4126-4146): DYEMVELFLR[Arg4136Thr]LRLWMGLSKV